The following is an entry in ClinVar:

ClinVar aggregate classification (germline): Uncertain significance (1 of 4 stars; one submission).

Conditions:
Growth restriction, hypoplastic kidneys, alopecia, and distinctive facies. Identifiers: MedGen C5543375, MONDO:0859146, OMIM 619321.

Submission:

Neuberg Centre For Genomic Medicine, NCGM
Classification: Uncertain significance for Growth restriction, hypoplastic kidneys, alopecia, and distinctive facies. Review status: criteria provided, single submitter. Criteria: ACMG Guidelines, 2015. Collection method: clinical testing. Allele origin: germline. Inheritance: Autosomal recessive inheritance. Affected: yes.
Comment: The observed splice region synonymous c.1095G>A (p.Val365) variant in ZPR1 gene has not been reported previously as a pathogenic variant nor as a benign variant, to our knowledge. The p.Val365 variant is present with allele frequency of 0.0004% in gnomAD Exomes. This variant has not been submitted to the ClinVar database. Additional functional studies will be required to prove the pathogenicity of this variant. For these reasons, this variant has been classified as Variant of Uncertain Significance (VUS).

NM_003904.5(ZPR1):c.1095G>A (p.Val365=)

Gene: ZPR1 (ZPR1 zinc finger; minus strand). Cytogenetic location: 11q23.3.
Variant type: single nucleotide variant.
Coding change: c.1095G>A on transcript NM_003904.5 (MANE Select); coding-DNA position 1095, G replaced by A.
Protein change: p.Val365=; no amino-acid change (valine 365 retained).
Molecular consequence: synonymous variant.
Genome position (GRCh38, 1-based): chr11:116,782,242, C>T on the plus strand (G>A on the coding strand, the complement: ZPR1 is on the minus strand). VCF-style: chr11-116782242-C-T. GRCh37 (hg19) VCF-style: chr11-116652958-C-T.
Other names: c.933G>A, p.Val311= (NM_001317086.2).
Identifiers: ClinVar variation 3377586 (VCV003377586.1).
Genomic context (GRCh38, chr11:116,782,242, plus strand): 5'-CTGTAGTCTCTCCGTCTGTCCAGGATTGGAACTGTCGCCCAGTGTGAAAGGATTTTTGGT[C>T]ACCTGCAATAAATGATAATCCAAACTATGTGAATACTGGCTTTATATTTGTTAGGCCTGA-3'
Protein context (NP_003895.1, residues 355-375): EGLLKDIREL[Val365=]TKNPFTLGDS